The following is an entry in ClinVar:

ClinVar aggregate classification (germline): Uncertain significance (1 of 4 stars; one submission).

Conditions:
Immunodeficiency. Identifiers: MedGen C0021051, MONDO:0021094, HP:0002721.

Submission:

Labcorp Genetics (formerly Invitae), Labcorp
Classification: Uncertain significance for Immunodeficiency. Last evaluated: 2026-01-13. Review status: criteria provided, single submitter. Criteria: Invitae Variant Classification Sherloc (09022015). Collection method: clinical testing. Allele origin: germline.
Comment: This sequence change replaces threonine, which is neutral and polar, with isoleucine, which is neutral and non-polar, at codon 1256 of the NFAT5 protein (p.Thr1256Ile). This variant is not present in population databases (gnomAD no frequency). This variant has not been reported in the literature in individuals affected with NFAT5-related conditions. An algorithm developed to predict the effect of missense changes on protein structure and function (PolyPhen-2) suggests that this variant is likely to be tolerated. In summary, the available evidence is currently insufficient to determine the role of this variant in disease. Therefore, it has been classified as a Variant of Uncertain Significance.

NM_138713.4(NFAT5):c.4049C>T (p.Thr1350Ile)

Gene: NFAT5 (nuclear factor of activated T cells 5; plus strand). Cytogenetic location: 16q22.1.
Variant type: single nucleotide variant.
Coding change: c.4049C>T on transcript NM_138713.4 (MANE Select); coding-DNA position 4049, C replaced by T.
Protein change: p.Thr1350Ile; replaces threonine 1350 with isoleucine.
Molecular consequence: missense variant.
Genome position (GRCh38, 1-based): chr16:69,693,874, C>T. VCF-style: chr16-69693874-C-T. GRCh37 (hg19) VCF-style: chr16-69727777-C-T.
Other names: c.4046C>T, p.Thr1349Ile (NM_001113178.3); c.3374C>T, p.Thr1125Ile (NM_001367709.1); c.3995C>T, p.Thr1332Ile (NM_006599.4); c.3767C>T, p.Thr1256Ile (NM_138714.4, NM_173214.3, NM_173215.3); short protein forms T1349I, T1125I, T1332I, T1350I, T1256I.
Identifiers: ClinVar variation 4735348 (VCV004735348.1).